The following is an entry in ClinVar:

NM_052813.5(CARD9):c.390G>A (p.Val130=)

Gene: CARD9 (caspase recruitment domain family member 9; minus strand). Cytogenetic location: 9q34.3.
Variant type: single nucleotide variant.
Coding change: c.390G>A on transcript NM_052813.5 (MANE Select); coding-DNA position 390, G replaced by A.
Protein change: p.Val130=; no amino-acid change (valine 130 retained).
Molecular consequence: synonymous variant.
Genome position (GRCh38, 1-based): chr9:136,371,078, C>T on the plus strand (G>A on the coding strand, the complement: CARD9 is on the minus strand). VCF-style: chr9-136371078-C-T. GRCh37 (hg19) VCF-style: chr9-139265530-C-T.
Other names: c.390G>A, p.Val130= (NM_052814.4).
Identifiers: ClinVar variation 3905936 (VCV003905936.10).
Genomic context (GRCh38, chr9:136,371,078, plus strand): 5'-CTTCACCCGCAGCTCCTTGATGAAGTCATCTTTGGAGCTCAGCAGCGCGGTCAGGTCCTG[C>T]ACCTTCTTCTGCAGCTTCATGACCTCAGTCATCAGCAGCTGAGTCAGGCCTGACTCCCCG-3'
Protein context (NP_434700.2, residues 120-140): MTEVMKLQKK[Val130=]QDLTALLSSK

ClinVar aggregate classification (germline): Likely benign (1 of 4 stars; one submission).

gnomAD v4.1: 2 of 1,612,750 alleles (0.00012%); highest among the groups gnomAD compares: South Asian, 0.0022%; no homozygotes.

Submission:

CeGaT Center for Human Genetics Tuebingen
Classification: Likely benign. Last evaluated: 2025-05-01. Review status: criteria provided, single submitter. Criteria: CeGaT Center For Human Genetics Tuebingen Variant Classification Criteria Version 2. Collection method: clinical testing. Allele origin: germline. Affected: yes. Observed: 1 variant allele.
Comment: CARD9: BP4, BP7